The following is an entry in ClinVar:

ClinVar aggregate classification (germline): Uncertain significance (1 of 4 stars; one submission).

Submission:

Labcorp Genetics (formerly Invitae), Labcorp
Classification: Uncertain significance. Last evaluated: 2022-10-17. Review status: criteria provided, single submitter. Criteria: Invitae Variant Classification Sherloc (09022015). Collection method: clinical testing. Allele origin: germline.
Comment: In summary, the available evidence is currently insufficient to determine the role of this variant in disease. Therefore, it has been classified as a Variant of Uncertain Significance. Advanced modeling of protein sequence and biophysical properties (such as structural, functional, and spatial information, amino acid conservation, physicochemical variation, residue mobility, and thermodynamic stability) performed at Invitae indicates that this missense variant is not expected to disrupt TBX15 protein function. This variant has not been reported in the literature in individuals affected with TBX15-related conditions. This variant is not present in population databases (gnomAD no frequency). This sequence change replaces arginine, which is basic and polar, with proline, which is neutral and non-polar, at codon 142 of the TBX15 protein (p.Arg142Pro).

NM_001330677.2(TBX15):c.743G>C (p.Arg248Pro)

Gene: TBX15 (T-box transcription factor 15; minus strand). Cytogenetic location: 1p12.
Variant type: single nucleotide variant.
Coding change: c.743G>C on transcript NM_001330677.2 (MANE Select); coding-DNA position 743, G replaced by C.
Protein change: p.Arg248Pro; replaces arginine 248 with proline.
Molecular consequence: missense variant.
Genome position (GRCh38, 1-based): chr1:118,923,554, C>G on the plus strand (G>C on the coding strand, the complement: TBX15 is on the minus strand). VCF-style: chr1-118923554-C-G. GRCh37 (hg19) VCF-style: chr1-119466177-C-G.
Other names: c.425G>C, p.Arg142Pro (NM_152380.3); short protein forms R248P, R142P.
Identifiers: ClinVar variation 2052543 (VCV002052543.4), dbSNP rs1655497808, ClinGen allele CA341434304.